The following is an entry in ClinVar:

NM_144666.3(DNHD1):c.10392C>T (p.Asp3464=)

Gene: DNHD1 (dynein heavy chain domain 1; plus strand). Cytogenetic location: 11p15.4.
Variant type: single nucleotide variant.
Coding change: c.10392C>T on transcript NM_144666.3 (MANE Select); coding-DNA position 10392, C replaced by T.
Protein change: p.Asp3464=; no amino-acid change (aspartic acid 3464 retained).
Molecular consequence: synonymous variant.
Genome position (GRCh38, 1-based): chr11:6,564,440, C>T. VCF-style: chr11-6564440-C-T. GRCh37 (hg19) VCF-style: chr11-6585670-C-T.
Identifiers: ClinVar variation 3057051 (VCV003057051.2), dbSNP rs16915423, ClinGen allele CA5856506.

ClinVar aggregate classification (germline): Benign (0 of 4 stars; one submission).

Conditions:
DNHD1-related disorder. Also called: DNHD1-related condition.

Allele frequency attached by ClinVar (database versions not stated): gnomAD exomes 0.03878; ExAC 0.08198; ESP Exome Variant Server 0.09571; gnomAD 0.09901; TOPMed 0.10947; 1000 Genomes Project 0.11981; 1000 Genomes Project 30x 0.12305.
gnomAD v4.1: 69,806 of 1,551,600 alleles (4.5%); highest among the groups gnomAD compares: African/African-American, 27%; 4,034 homozygotes.

Submission:

PreventionGenetics, part of Exact Sciences
Classification: Benign for DNHD1-related condition. Last evaluated: 2019-11-25. Review status: no assertion criteria provided. Collection method: clinical testing. Allele origin: germline.
Comment: This variant is classified as benign based on ACMG/AMP sequence variant interpretation guidelines (Richards et al. 2015 PMID: 25741868, with internal and published modifications).